The following is an entry in ClinVar:

ClinVar aggregate classification (germline): Conflicting classifications of pathogenicity. Review status: criteria provided, conflicting classifications (1 of 4 stars). 6 submissions from 5 submitters: Uncertain significance (4); Benign (1). 1 of the submissions does not count toward it. Last evaluated 2025-06-02.

Conditions:
Cardiovascular phenotype. Identifiers: MedGen CN230736.
Hereditary cancer-predisposing syndrome. Also called: Hereditary Cancer Syndrome; Neoplastic Syndromes, Hereditary; Tumor predisposition; Hereditary neoplastic syndrome. Identifiers: Orphanet 140162, MedGen C0027672, MeSH D009386, MONDO:0015356.
NF1-related disorder. Also called: NF1-related condition. Identifiers: MedGen CN379171.
Café-au-lait macules with pulmonary stenosis (WTSN). Also called: PULMONIC STENOSIS WITH CAFE-AU-LAIT SPOTS. Identifiers: MedGen C0553586, MONDO:0008672, OMIM 193520.
Juvenile myelomonocytic leukemia (JMML). Also called: LEUKEMIA, JUVENILE MYELOMONOCYTIC, SOMATIC. Identifiers: Orphanet 86834, MedGen C0349639, MONDO:0011908, OMIM 607785, HP:0012209.
Neurofibromatosis-Noonan syndrome (NFNS). Also called: NEUROFIBROMATOSIS WITH NOONAN PHENOTYPE. Identifiers: Orphanet 638, MedGen C2931482, MONDO:0011035, OMIM 601321. Disease mechanism: loss of function.
Neurofibromatosis, familial spinal (FSNF). Identifiers: Orphanet 636, MedGen C1834235, MONDO:0008078, OMIM 162210. Disease mechanism: loss of function.
Neurofibromatosis, type 1 (NF1). Also called: Neurofibromatosis, type I; VON RECKLINGHAUSEN DISEASE; NEUROFIBROMATOSIS, TYPE I, SOMATIC; Peripheral type neurofibromatosis. Identifiers: Orphanet 636, MedGen C0027831, MONDO:0018975, OMIM 162200. Disease mechanism: loss of function.

Submissions (6):

Labcorp Genetics (formerly Invitae), Labcorp
Classification: Benign for Neurofibromatosis, type 1. Last evaluated: 2025-06-02. Review status: criteria provided, single submitter. Criteria: Invitae Variant Classification Sherloc (09022015). Collection method: clinical testing. Allele origin: germline.

Fulgent Genetics
Classification: Uncertain significance for Neurofibromatosis, type 1; Neurofibromatosis, familial spinal; Café-au-lait macules with pulmonary stenosis; Neurofibromatosis-Noonan syndrome; Juvenile myelomonocytic leukemia. Last evaluated: 2024-03-08. Review status: criteria provided, single submitter. Criteria: ACMG Guidelines, 2015. Collection method: clinical testing. Allele origin: germline.

Genome-Nilou Lab
Classification: Uncertain significance for Neurofibromatosis, type 1. Last evaluated: 2022-03-15. Review status: criteria provided, single submitter. Criteria: ACMG Guidelines, 2015. Collection method: clinical testing. Allele origin: germline. Affected: no.

Ambry Genetics
Classification: Uncertain significance for Cardiovascular phenotype; Hereditary cancer-predisposing syndrome. Last evaluated: 2020-11-30. Review status: criteria provided, single submitter. Criteria: Ambry Variant Classification Scheme 2023. Collection method: clinical testing. Allele origin: germline.

Ambry Genetics
Classification: Uncertain significance for Hereditary cancer-predisposing syndrome. Last evaluated: 2015-03-10. Review status: criteria provided, single submitter. Criteria: Ambry Autosomal Dominant and X-Linked criteria (10/2015). Collection method: clinical testing. Allele origin: germline. Observed: 1 variant allele.
Comment: The p.P2477A variant (also known as c.7429C>G), located in coding exon 50 of the NF1 gene, results from a C to G substitution at nucleotide position 7429. The proline at codon 2477 is replaced by alanine, an amino acid with highly similar properties. This variant was not reported in population based cohorts in the following databases: Database of Single Nucleotide Polymorphisms (dbSNP), NHLBI Exome Sequencing Project (ESP), and 1000 Genomes Project. In the ESP, this variant was not observed in 6503 samples (13006 alleles) with coverage at this position. To date, this alteration has been detected with an allele frequency of approximately 0.003% (greater than 40000 alleles tested) in our clinical cohort.This amino acid position is not well conserved in available vertebrate species. In addition, this alteration is predicted to be tolerated by in silico analysis.Since supporting evidence is limited at this time, the clinical significance of p.P2477Aremains unclear.

PreventionGenetics, part of Exact Sciences
Classification: Uncertain significance for NF1-related condition. Last evaluated: 2024-08-26. Review status: no assertion criteria provided. Collection method: clinical testing. Allele origin: germline. Not counted in ClinVar's aggregate classification.
Comment: The NF1 c.7429C>G variant is predicted to result in the amino acid substitution p.Pro2477Ala. To our knowledge, this variant has not been reported in the literature or in a large population database, indicating it is rare. At this time, the clinical significance of this variant is uncertain due to the absence of conclusive functional and genetic evidence.

NM_001042492.3(NF1):c.7429C>G (p.Pro2477Ala)

Gene: NF1 (neurofibromin 1; plus strand). Cytogenetic location: 17q11.2.
Variant type: single nucleotide variant.
Coding change: c.7429C>G on transcript NM_001042492.3 (MANE Select); coding-DNA position 7429, C replaced by G.
Protein change: p.Pro2477Ala; replaces proline 2477 with alanine.
Molecular consequence: missense variant.
Genome position (GRCh38, 1-based): chr17:31,350,290, C>G. VCF-style: chr17-31350290-C-G. GRCh37 (hg19) VCF-style: chr17-29677308-C-G.
Other names: c.7366C>G, p.Pro2456Ala (NM_000267.4); short protein forms P2456A, P2477A.
Identifiers: ClinVar variation 230709 (VCV000230709.15), dbSNP rs876658722, ClinGen allele CA10580409.